The following is an entry in ClinVar:

ClinVar aggregate classification (germline): Uncertain significance (1 of 4 stars; one submission).

Conditions:
Inborn genetic diseases. Identifiers: MedGen C0950123, MeSH D030342.

gnomAD v4.1: 2 of 1,614,138 alleles (0.00012%); highest among the groups gnomAD compares: Non-Finnish European, 0.00017%; no homozygotes.

Submission:

Ambry Genetics
Classification: Uncertain significance for Inborn genetic diseases. Last evaluated: 2025-09-22. Review status: criteria provided, single submitter. Criteria: Ambry Variant Classification Scheme 2023. Collection method: clinical testing. Allele origin: germline.
Comment: The c.2989G>A (p.G997S) alteration is located in exon 9 (coding exon 8) of the ZEB2 gene. This alteration results from a G to A substitution at nucleotide position 2989, causing the glycine (G) at amino acid position 997 to be replaced by a serine (S). Based on data from gnomAD, the A allele has an overall frequency of <0.001% (1/251444) total alleles studied. The highest observed frequency was 0.001% (1/113720) of European (non-Finnish) alleles. Based on insufficient or conflicting evidence, the clinical significance of this alteration remains unclear.

NM_014795.4(ZEB2):c.2989G>A (p.Gly997Ser)

Gene: ZEB2 (zinc finger E-box binding homeobox 2; minus strand). Cytogenetic location: 2q22.3.
Variant type: single nucleotide variant.
Coding change: c.2989G>A on transcript NM_014795.4 (MANE Select); coding-DNA position 2989, G replaced by A.
Protein change: p.Gly997Ser; replaces glycine 997 with serine.
Molecular consequence: missense variant.
Genome position (GRCh38, 1-based): chr2:144,396,490, C>T on the plus strand (G>A on the coding strand, the complement: ZEB2 is on the minus strand). VCF-style: chr2-144396490-C-T. GRCh37 (hg19) VCF-style: chr2-145154057-C-T.
Other names: c.2917G>A, p.Gly973Ser (NM_001171653.2); short protein forms G973S, G997S.
Identifiers: ClinVar variation 4635015 (VCV004635015.1).
Genomic context (GRCh38, chr2:144,396,490, plus strand): 5'-GTCGCAGAAGGGAACTGCTTTTCTGGAATGTCTTGTCACATAAGTCACATGCATACATGC[C>T]ACTCTCTGTCTTCTTGATCTTTTTGCGAGACAGACAGGAGTCGGAGTCTGTCATATCATC-3'
Protein context (NP_055610.1, residues 987-1007): SRKKIKKTES[Gly997Ser]MYACDLCDKT